The following is an entry in ClinVar:

ClinVar aggregate classification (germline): Uncertain significance (1 of 4 stars; one submission).

Conditions:
Developmental and epileptic encephalopathy, 54. Also called: Epileptic encephalopathy, early infantile, 54; HNRNPU-Related Neurodevelopmental Disorder. Identifiers: MedGen C4479319, MONDO:0033363, OMIM 617391.

Allele frequency attached by ClinVar (database versions not stated): TOPMed below 0.00001.

Submission:

Labcorp Genetics (formerly Invitae), Labcorp
Classification: Uncertain significance for Developmental and epileptic encephalopathy, 54. Last evaluated: 2025-10-08. Review status: criteria provided, single submitter. Criteria: Invitae Variant Classification Sherloc (09022015). Collection method: clinical testing. Allele origin: germline.
Comment: This sequence change replaces valine, which is neutral and non-polar, with isoleucine, which is neutral and non-polar, at codon 485 of the HNRNPU protein (p.Val485Ile). This variant is not present in population databases (gnomAD no frequency). This variant has not been reported in the literature in individuals affected with HNRNPU-related conditions. ClinVar contains an entry for this variant (Variation ID: 1934584). Invitae Evidence Modeling of protein sequence and biophysical properties (such as structural, functional, and spatial information, amino acid conservation, physicochemical variation, residue mobility, and thermodynamic stability) indicates that this missense variant is not expected to disrupt HNRNPU protein function with a negative predictive value of 95%. In summary, the available evidence is currently insufficient to determine the role of this variant in disease. Therefore, it has been classified as a Variant of Uncertain Significance.

NM_031844.3(HNRNPU):c.1453G>A (p.Val485Ile)

Gene: HNRNPU (heterogeneous nuclear ribonucleoprotein U; minus strand). Cytogenetic location: 1q44.
Variant type: single nucleotide variant.
Coding change: c.1453G>A on transcript NM_031844.3 (MANE Select); coding-DNA position 1453, G replaced by A.
Protein change: p.Val485Ile; replaces valine 485 with isoleucine.
Molecular consequence: missense variant.
Genome position (GRCh38, 1-based): chr1:244,858,052, C>T on the plus strand (G>A on the coding strand, the complement: HNRNPU is on the minus strand). VCF-style: chr1-244858052-C-T. GRCh37 (hg19) VCF-style: chr1-245021354-C-T.
Other names: c.1396G>A, p.Val466Ile (NM_004501.3); short protein forms V485I, V466I.
Identifiers: ClinVar variation 1934584 (VCV001934584.5), dbSNP rs1680726560, ClinGen allele CA345491508.
Genomic context (GRCh38, chr1:244,858,052, plus strand): 5'-AAAAAAAAAAATCCCTTACTTCACAATCTTTCTTCTCTTCAGGCCCCTTTGGTCCTCTAA[C>T]TCGATCCTCTAAGGGGACGTTCTGGATGAAAGTATACTCTTCAGGTATTGGAAAATATGG-3'
Protein context (NP_114032.2, residues 475-495): FIQNVPLEDR[Val485Ile]RGPKGPEEKK